The following is an entry in ClinVar:

NM_001420.4(ELAVL3):c.675del (p.Tyr226fs)

Gene: ELAVL3 (ELAV like RNA binding protein 3; minus strand). Cytogenetic location: 19p13.2.
Variant type: Deletion.
Coding change: c.675del on transcript NM_001420.4 (MANE Select); coding-DNA position 675, one base deleted (C; older notation c.675delC).
Protein change: p.Tyr226fs; shifts the reading frame from tyrosine 226.
Molecular consequence: frameshift variant.
Genome position (GRCh38, 1-based): chr19:11,458,099, G deleted on the plus strand (C on the coding strand, the reverse complement: ELAVL3 is on the minus strand). VCF-style (leftmost placement, unchanged base first): chr19-11458098-AG-A. GRCh37 (hg19) VCF-style: chr19-11568913-AG-A.
Other names: c.675del, p.Tyr226fs (NM_032281.3); short protein forms Y226fs.
Identifiers: ClinVar variation 2572317 (VCV002572317.1), dbSNP rs2512563283, ClinGen allele CA2580613060.
Genomic context (GRCh38, chr19:11,458,098, plus strand): 5'-CATCTGGCTGGCAGGGGGCTCACCGGAAACGCTGGGTCTGATGGTGTAGGGGGCCTGCGT[AG>A]CGCCGGGCGGATGACTGGTAGAGGTGGGTGAGCAGCGCCTGCCCCGTCTTCTGACTTGGG-3'

ClinVar aggregate classification (germline): Uncertain significance (1 of 4 stars; one submission).

Submission:

Greenwood Genetic Center Diagnostic Laboratories, Greenwood Genetic Center
Classification: Uncertain significance. Last evaluated: 2023-06-30. Review status: criteria provided, single submitter. Criteria: ACMG Guidelines, 2015. Collection method: clinical testing. Allele origin: germline. Affected: yes.
Comment: Gene of Uncertain Significance